The following is an entry in ClinVar:

NM_015192.4(PLCB1):c.*749G>C

Gene: PLCB1 (phospholipase C beta 1; plus strand). Cytogenetic location: 20p12.3.
Variant type: single nucleotide variant.
Coding change: c.*749G>C on transcript NM_015192.4 (MANE Select); 749 bases downstream of the stop codon, G replaced by C.
Molecular consequence: 3 prime UTR variant.
Genome position (GRCh38, 1-based): chr20:8,882,598, G>C. VCF-style: chr20-8882598-G-C. GRCh37 (hg19) VCF-style: chr20-8863245-G-C.
Other names: c.*996G>C (NM_182734.3).
Identifiers: ClinVar variation 339526 (VCV000339526.5), dbSNP rs16995375, ClinGen allele CA10650272.

ClinVar aggregate classification (germline): Likely benign (1 of 4 stars; one submission).

Conditions:
Developmental and epileptic encephalopathy, 12 (DEE12). Identifiers: MedGen C3150988, MONDO:0013389, OMIM 613722.

Allele frequency attached by ClinVar (database versions not stated): gnomAD 0.01575 and 0.01704; 1000 Genomes Project 0.01657; 1000 Genomes Project 30x 0.01765; TOPMed 0.01823.

Submission:

Illumina Laboratory Services, Illumina
Classification: Likely benign for Developmental and epileptic encephalopathy, 12. Last evaluated: 2017-04-27. Review status: criteria provided, single submitter. Criteria: ICSL Variant Classification Criteria 13 December 2019. Collection method: clinical testing. Allele origin: germline.
Comment: This variant was observed as part of a predisposition screen in an ostensibly healthy population. A literature search was performed for the gene, cDNA change, and amino acid change (where applicable). No publications were found based on this search. Allele frequency data from public databases allowed determination this variant is unlikely to cause disease. Therefore, this variant is classified as likely benign.